The following is an entry in ClinVar:

ClinVar aggregate classification (germline): Benign/Likely benign. Review status: criteria provided, multiple submitters, no conflicts (2 of 4 stars). 6 submissions from 6 submitters: Benign (3); Likely benign (3). Last evaluated 2026-05-09.

Conditions:
Decreased response to growth hormone stimulation test. Also called: Growth hormone deficiency. Identifiers: MedGen C5539399, HP:0000824.

Allele frequency attached by ClinVar (database versions not stated): 1000 Genomes Project 0.03694; ESP Exome Variant Server 0.03214; TOPMed 0.03920; 1000 Genomes Project 30x 0.03966.
gnomAD v4.1: 22,565 of 1,607,952 alleles (1.4%); highest among the groups gnomAD compares: African/African-American, 9.1%; 537 homozygotes.

Submissions (6):

Women's Health and Genetics/Laboratory Corporation of America, LabCorp
Classification: Likely benign. Last evaluated: 2026-05-09. Review status: criteria provided, single submitter. Criteria: LabCorp Variant Classification Summary - May 2015. Collection method: clinical testing. Allele origin: germline.

Labcorp Genetics (formerly Invitae), Labcorp
Classification: Benign. Last evaluated: 2024-10-24. Review status: criteria provided, single submitter. Criteria: Invitae Variant Classification Sherloc (09022015). Collection method: clinical testing. Allele origin: germline.

Athena Diagnostics
Classification: Benign. Last evaluated: 2017-06-29. Review status: criteria provided, single submitter. Criteria: Athena Diagnostics Criteria. Collection method: clinical testing. Allele origin: unknown.

Illumina Laboratory Services, Illumina
Classification: Likely benign for Growth hormone deficiency. Last evaluated: 2017-04-27. Review status: criteria provided, single submitter. Criteria: ICSL Variant Classification Criteria 13 December 2019. Collection method: clinical testing. Allele origin: germline.
Comment: This variant was observed as part of a predisposition screen in an ostensibly healthy population. A literature search was performed for the gene, cDNA change, and amino acid change (where applicable). Publications were found based on this search. The evidence from the literature, in combination with allele frequency data from public databases where available, was sufficient to determine this variant is unlikely to cause disease. Therefore, this variant is classified as likely benign.

Eurofins Ntd Llc (ga)
Classification: Benign. Last evaluated: 2016-07-27. Review status: criteria provided, single submitter. Criteria: EGL Classification Definitions 2015. Collection method: clinical testing. Allele origin: germline. Observed: 2 variant alleles, 2 heterozygotes.

Breakthrough Genomics
Classification: Likely benign. Review status: criteria provided, single submitter. Criteria: ACMG Guidelines, 2015. Collection method: not provided. Allele origin: germline. Inheritance: Autosomal recessive inheritance. Affected: yes.

Literature cited by the submitters: PubMed 12655557 (cited by Women's Health and Genetics/Laboratory Corporation of America, LabCorp and Illumina Laboratory Services, Illumina); PubMed 9432120 (cited by Women's Health and Genetics/Laboratory Corporation of America, LabCorp); PubMed 18297129 (cited by Women's Health and Genetics/Laboratory Corporation of America, LabCorp); PubMed 18160466 (cited by Women's Health and Genetics/Laboratory Corporation of America, LabCorp); PubMed 12054125 (cited by Women's Health and Genetics/Laboratory Corporation of America, LabCorp); PubMed 9152628 (cited by Women's Health and Genetics/Laboratory Corporation of America, LabCorp and Illumina Laboratory Services, Illumina); PubMed 17223997 (cited by Women's Health and Genetics/Laboratory Corporation of America, LabCorp); PubMed 15241820 (cited by Women's Health and Genetics/Laboratory Corporation of America, LabCorp); PubMed 18950677 (cited by Illumina Laboratory Services, Illumina).

NM_000515.5(GH1):c.7A>G (p.Thr3Ala)

Genes: GH-LCR (growth hormone locus control region; plus strand), GH1 (growth hormone 1; minus strand). Cytogenetic location: 17q23.3.
Variant type: single nucleotide variant.
Coding change: c.7A>G on transcript NM_000515.5 (MANE Select); coding-DNA position 7, A replaced by G.
Protein change: p.Thr3Ala; replaces threonine 3 with alanine.
Molecular consequence: missense variant.
Genome position (GRCh38, 1-based): chr17:63,918,770, T>C on the plus strand (A>G on the coding strand, the complement: GH1 is on the minus strand). VCF-style: chr17-63918770-T-C. GRCh37 (hg19) VCF-style: chr17-61996130-T-C.
Other names: c.7A>G, p.Thr3Ala (NM_022559.4, NM_022560.4); short protein forms T3A.
Identifiers: ClinVar variation 289503 (VCV000289503.20), dbSNP rs2001345, ClinGen allele CA8708425.
Genomic context (GRCh38, chr17:63,918,770, plus strand): 5'-GTCGCTGCCTCTCCCCTCAGGACACATTGTGCCCAAAGGGATTTTAGGGGCGCTTACCTG[T>C]AGCCATTGCAGCTAGGTGAGCTGTCCACAGGACCCTGAGTGGTTCGGGGAGTTGGGCCTT-3'
Protein context (NP_000506.2, residues 1-13): MA[Thr3Ala]GSRTSLLLAF